The following is an entry in ClinVar:

NM_006946.4(SPTBN2):c.1129C>T (p.Arg377Trp)

Gene: SPTBN2 (spectrin beta, non-erythrocytic 2; minus strand). Cytogenetic location: 11q13.2.
Variant type: single nucleotide variant.
Coding change: c.1129C>T on transcript NM_006946.4 (MANE Select); coding-DNA position 1129, C replaced by T.
Protein change: p.Arg377Trp; replaces arginine 377 with tryptophan.
Molecular consequence: missense variant.
Genome position (GRCh38, 1-based): chr11:66,708,964, G>A on the plus strand (C>T on the coding strand, the complement: SPTBN2 is on the minus strand). VCF-style: chr11-66708964-G-A. GRCh37 (hg19) VCF-style: chr11-66476435-G-A.
Other names: short protein forms R377W.
Identifiers: ClinVar variation 995233 (VCV000995233.4), dbSNP rs199861592, ClinGen allele CA6129472.

ClinVar aggregate classification (germline): Uncertain significance. Review status: criteria provided, multiple submitters, no conflicts (2 of 4 stars). 3 submissions from 3 submitters: Uncertain significance (3). Last evaluated 2025-09-05.

Conditions:
Inborn genetic diseases. Identifiers: MedGen C0950123, MeSH D030342.

Allele frequency attached by ClinVar (database versions not stated): gnomAD 0.00001; gnomAD exomes 0.00001 and 0.00003; ExAC 0.00002; TOPMed 0.00002.
gnomAD v4.1: 56 of 1,613,724 alleles (0.0035%); highest among the groups gnomAD compares: Middle Eastern, 0.033%; no homozygotes.

Submissions (3):

Ambry Genetics
Classification: Uncertain significance for Inborn genetic diseases. Last evaluated: 2025-09-05. Review status: criteria provided, single submitter. Criteria: Ambry Variant Classification Scheme 2023. Collection method: clinical testing. Allele origin: germline.

GeneDx
Classification: Uncertain significance. Last evaluated: 2022-02-28. Review status: criteria provided, single submitter. Criteria: GeneDx Variant Classification Process June 2021. Collection method: clinical testing. Allele origin: germline. Affected: yes.
Comment: Not observed at significant frequency in large population cohorts (gnomAD); In silico analysis supports that this missense variant has a deleterious effect on protein structure/function; Has not been previously published as pathogenic or benign to our knowledge

Athena Diagnostics
Classification: Uncertain significance. Last evaluated: 2020-01-21. Review status: criteria provided, single submitter. Criteria: Athena Diagnostics Criteria. Collection method: clinical testing. Allele origin: unknown.